The following is an entry in ClinVar:

NM_000535.7(PMS2):c.802del (p.Tyr268fs)

Gene: PMS2 (PMS1 homolog 2, mismatch repair system component; minus strand). Cytogenetic location: 7p22.1.
Variant type: Deletion.
Coding change: c.802del on transcript NM_000535.7 (MANE Select); coding-DNA position 802, one base deleted (T; older notation c.802delT).
Protein change: p.Tyr268fs; shifts the reading frame from tyrosine 268.
Molecular consequence: frameshift variant. On other transcripts: 5 prime UTR variant (2), non-coding transcript variant (1).
Genome position (GRCh38, 1-based): chr7:5,997,327, A deleted on the plus strand (T on the coding strand, the reverse complement: PMS2 is on the minus strand); the first of 6 consecutive A bases (chr7:5,997,327-5,997,332); deleting any one gives the same sequence. VCF-style (leftmost placement, unchanged base first): chr7-5997326-TA-T. GRCh37 (hg19) VCF-style: chr7-6036957-TA-T.
Other names: c.397del, p.Tyr133fs (NM_001322003.2, NM_001322004.2, NM_001322005.2 and 2 more transcripts); c.802del, p.Tyr268fs (NM_001322006.2, NM_001322014.2); c.484del, p.Tyr162fs (NM_001322007.2, NM_001322008.2); c.-132del (NM_001322011.2, NM_001322012.2); c.229del, p.Tyr77fs (NM_001322013.2); c.493del, p.Tyr165fs (NM_001322015.2); c.802delT (NM_000535.5, NM_000535.7); short protein forms Y162fs, Y77fs, Y133fs, Y165fs, Y268fs.
Identifiers: ClinVar variation 922836 (VCV000922836.15), dbSNP rs267608149, ClinGen allele CA645560074.

ClinVar aggregate classification (germline): Pathogenic/Likely pathogenic. Review status: criteria provided, multiple submitters, no conflicts (2 of 4 stars). 8 submissions from 8 submitters: Pathogenic (6); Likely pathogenic (1). 1 of the submissions does not count toward it. Last evaluated 2025-07-09.

Conditions:
Hereditary nonpolyposis colon cancer (HNPCC). Also called: Hereditary nonpolyposis colorectal cancer; Familial nonpolyposis colon cancer; Hereditary Nonpolyposis Colorectal Cancer Syndrome. Identifiers: Orphanet 443909, MedGen C1333990, MONDO:0018630. Disease mechanism: loss of function.
Lynch-like syndrome.
Lynch syndrome 4 (LYNCH4). Also called: Colorectal cancer, hereditary nonpolyposis, type 4; Hereditary non-polyposis colorectal cancer, type 4. Identifiers: Orphanet 144, MedGen C1838333, MONDO:0013699, OMIM 614337. Disease mechanism: loss of function.
Hereditary nonpolyposis colorectal neoplasms. Identifiers: MedGen C0009405, MeSH D003123.
Lynch syndrome. Identifiers: Orphanet 144, MedGen C4552100, MONDO:0005835. Disease mechanism: loss of function.
Hereditary cancer-predisposing syndrome. Also called: Neoplastic Syndromes, Hereditary; Tumor predisposition; Hereditary Cancer Syndrome; Hereditary neoplastic syndrome. Identifiers: Orphanet 140162, MedGen C0027672, MeSH D009386, MONDO:0015356.

Submissions (8):

ARUP Laboratories, Molecular Genetics and Genomics, ARUP Laboratories
Classification: Pathogenic. Last evaluated: 2025-07-09. Review status: criteria provided, single submitter. Criteria: ARUP Molecular Germline Variant Investigation Process 2024. Collection method: clinical testing. Allele origin: germline.
Comment: The PMS2 c.802del; p.Tyr268ThrfsTer39 variant (rs267608149), to our knowledge, is not reported in the medical literature but is reported in ClinVar (Variation ID: 922836). This variant is also absent from the Genome Aggregation Database (v2.1.1), indicating it is not a common polymorphism. This variant causes a frameshift and is predicted to result in a truncated protein or mRNA subject to nonsense-mediated decay. Based on available information, this variant is considered to be pathogenic.

Labcorp Genetics (formerly Invitae), Labcorp
Classification: Pathogenic for Hereditary nonpolyposis colorectal neoplasms. Last evaluated: 2024-03-10. Review status: criteria provided, single submitter. Criteria: Invitae Variant Classification Sherloc (09022015). Collection method: clinical testing. Allele origin: germline.
Comment: This sequence change creates a premature translational stop signal (p.Tyr268Thrfs*39) in the PMS2 gene. It is expected to result in an absent or disrupted protein product. Loss-of-function variants in PMS2 are known to be pathogenic (PMID: 21376568, 24362816). This variant is not present in population databases (gnomAD no frequency). This variant has not been reported in the literature in individuals affected with PMS2-related conditions. ClinVar contains an entry for this variant (Variation ID: 922836). For these reasons, this variant has been classified as Pathogenic.

Women's Health and Genetics/Laboratory Corporation of America, LabCorp
Classification: Pathogenic for Hereditary nonpolyposis colon cancer. Last evaluated: 2023-10-02. Review status: criteria provided, single submitter. Criteria: LabCorp Variant Classification Summary - May 2015. Collection method: clinical testing. Allele origin: germline.
Comment: Variant summary: PMS2 c.802delT (p.Tyr268ThrfsX39) results in a premature termination codon, predicted to cause a truncation of the encoded protein or absence of the protein due to nonsense mediated decay, which are commonly known mechanisms for disease. The variant was absent in 248408 control chromosomes (gnomAD). To our knowledge, no occurrence of c.802delT in individuals affected with Lynch Syndrome and no experimental evidence demonstrating its impact on protein function have been reported. Three ClinVar submitters have assessed the variant since 2014, and all three classified the variant as pathogenic. Based on the evidence outlined above, the variant was classified as pathogenic.

Myriad Genetics, Inc.
Classification: Pathogenic for Lynch syndrome 4. Last evaluated: 2023-09-19. Review status: criteria provided, single submitter. Criteria: Myriad Autosomal Dominant, Autosomal Recessive and X-Linked Classification Criteria (2023). Collection method: clinical testing. Allele origin: unknown.
Comment: This variant is considered pathogenic. This variant creates a frameshift predicted to result in premature protein truncation.

Ambry Genetics
Classification: Pathogenic for Hereditary cancer-predisposing syndrome. Last evaluated: 2021-07-06. Review status: criteria provided, single submitter. Criteria: Ambry Variant Classification Scheme 2023. Collection method: clinical testing. Allele origin: germline.
Comment: The c.802delT variant, located in coding exon 7 of the PMS2 gene, results from a deletion of one nucleotide at nucleotide position 802, causing a translational frameshift with a predicted alternate stop codon (p.Y268Tfs*39). This alteration is expected to result in loss of function by premature protein truncation or nonsense-mediated mRNA decay. As such, this alteration is interpreted as a disease-causing mutation.

Color Diagnostics, LLC DBA Color Health
Classification: Pathogenic for Hereditary cancer-predisposing syndrome. Last evaluated: 2020-01-15. Review status: criteria provided, single submitter. Criteria: ACMG Guidelines, 2015. Collection method: clinical testing. Allele origin: germline.
Comment: This variant is located in the PMS2 protein. Splice site prediction tools suggest that this variant may not impact RNA splicing. This variant has not been identified in the general population by the Genome Aggregation Database (gnomAD). Loss of PMS2 function is a known mechanism of disease. Based on the available evidence, this variant is classified as Pathogenic.

Laboratory for Molecular Medicine, Mass General Brigham Personalized Medicine
Classification: Likely pathogenic for Lynch syndrome. Last evaluated: 2019-05-08. Review status: criteria provided, single submitter. Criteria: ACMG Guidelines, 2015. Collection method: clinical testing. Allele origin: germline.
Comment: The p.Tyr268ThrfsX39 variant in PMS2 has not been previously reported in individuals with Lynch syndrome and was absent from large population studies. This variant is predicted to cause a frameshift, which alters the protein’s amino acid sequence beginning at position 268 and leads to a premature termination codon 39 amino acids downstream. This alteration is then predicted to lead to a truncated or absent protein. Another frameshift PMS2 variant altering the protein's sequence at the same position (p.Tyr268LeufsX31) has been classified as Pathogenic by our laboratory and by the ClinGen-approved InSIGHT expert panel. Loss of function of the PMS2 gene is an established disease mechanism in autosomal dominant Lynch syndrome. In summary, although additional studies are required to fully establish its clinical significance, this variant meets criteria to be classified as likely pathogenic for autosomal dominant Lynch syndrome. ACMG/AMP Criteria applied: PVS1, PM2.

Constitutional Genetics Lab, Leon Berard Cancer Center
Classification: Pathogenic for Lynch-like syndrome. Last evaluated: 2019-07-01. Review status: no assertion criteria provided. Collection method: clinical testing. Allele origin: somatic. Affected: yes. Not counted in ClinVar's aggregate classification.

Literature cited by the submitters: PubMed 21376568 (cited by Labcorp Genetics (formerly Invitae), Labcorp); PubMed 24362816 (cited by Labcorp Genetics (formerly Invitae), Labcorp).